The following is an entry in ClinVar:

ClinVar aggregate classification (germline): Uncertain significance (1 of 4 stars; one submission).

Conditions:
Brachyolmia-amelogenesis imperfecta syndrome. Also called: PLATYSPONDYLY WITH AMELOGENESIS IMPERFECTA; Tooth agenesis, selective, 6; Dental anomalies and short stature. Identifiers: Orphanet 2899, MedGen C1832594, MONDO:0011018, OMIM 601216. Disease mechanism: loss of function.

Submission:

Labcorp Genetics (formerly Invitae), Labcorp
Classification: Uncertain significance for Brachyolmia-amelogenesis imperfecta syndrome. Last evaluated: 2025-01-29. Review status: criteria provided, single submitter. Criteria: Invitae Variant Classification Sherloc (09022015). Collection method: clinical testing. Allele origin: germline.
Comment: This sequence change replaces arginine, which is basic and polar, with cysteine, which is neutral and slightly polar, at codon 1249 of the LTBP3 protein (p.Arg1249Cys). This variant is not present in population databases (gnomAD no frequency). This variant has not been reported in the literature in individuals affected with LTBP3-related conditions. An algorithm developed to predict the effect of missense changes on protein structure and function (PolyPhen-2) suggests that this variant is likely to be disruptive. In summary, the available evidence is currently insufficient to determine the role of this variant in disease. Therefore, it has been classified as a Variant of Uncertain Significance.

NM_001130144.3(LTBP3):c.3745C>T (p.Arg1249Cys)

Gene: LTBP3 (latent transforming growth factor beta binding protein 3; minus strand). Cytogenetic location: 11q13.1.
Variant type: single nucleotide variant.
Coding change: c.3745C>T on transcript NM_001130144.3 (MANE Select); coding-DNA position 3745, C replaced by T.
Protein change: p.Arg1249Cys; replaces arginine 1249 with cysteine.
Molecular consequence: missense variant.
Genome position (GRCh38, 1-based): chr11:65,539,343, G>A on the plus strand (C>T on the coding strand, the complement: LTBP3 is on the minus strand). VCF-style: chr11-65539343-G-A. GRCh37 (hg19) VCF-style: chr11-65306814-G-A.
Other names: c.3253C>T, p.Arg1085Cys (NM_001164266.1); c.3604C>T, p.Arg1202Cys (NM_021070.4); short protein forms R1202C, R1249C, R1085C.
Identifiers: ClinVar variation 3649083 (VCV003649083.2).